The following is an entry in ClinVar:

ClinVar aggregate classification (germline): Uncertain significance (1 of 4 stars; one submission).

Conditions:
Hereditary cancer-predisposing syndrome. Also called: Neoplastic Syndromes, Hereditary; Tumor predisposition; Hereditary neoplastic syndrome; Hereditary Cancer Syndrome. Identifiers: Orphanet 140162, MedGen C0027672, MeSH D009386, MONDO:0015356.

Submission:

Ambry Genetics
Classification: Uncertain significance for Hereditary cancer-predisposing syndrome. Last evaluated: 2026-06-22. Review status: criteria provided, single submitter. Criteria: Ambry Variant Classification Scheme 2023. Collection method: clinical testing. Allele origin: germline.
Comment: The c.3000+2T>C intronic variant results from a T to C substitution two nucleotides after coding exon 21 in the MSH3 gene. This nucleotide position is highly conserved in available vertebrate species. In silico splice site analysis predicts that this alteration will weaken the native splice donor site and will result in the creation or strengthening of a novel splice donor site. Variants that disrupt the canonical splice site are expected to cause aberrant splicing, resulting in an abnormal protein or a transcript that is subject to nonsense-mediated mRNA decay; however, +2T>C variants are capable of generating wild-type transcripts in some genomic contexts and should be interpreted with caution (Lin JH et al. Hum Mutat. 2019 10;40:1856-1873). Based on the available evidence, the clinical significance of this variant remains unclear.

NM_002439.5(MSH3):c.3000+2T>C

Gene: MSH3 (mutS homolog 3; plus strand). Cytogenetic location: 5q14.1.
Variant type: single nucleotide variant.
Coding change: c.3000+2T>C on transcript NM_002439.5 (MANE Select); the canonical splice donor site of the intron after coding-DNA position 3000, T replaced by C.
Molecular consequence: splice donor variant.
Genome position (GRCh38, 1-based): chr5:80,854,318, T>C. VCF-style: chr5-80854318-T-C. GRCh37 (hg19) VCF-style: chr5-80150137-T-C.
Identifiers: ClinVar variation 5024745 (VCV005024745.1).
Genomic context (GRCh38, chr5:80,854,318, plus strand): 5'-CGAGCACTCATGATGGAATTGCCATTGCCTATGCTACACTTGAGTATTTCATCAGAGATG[T>C]AAGTATCCGGTAAACTGTATTTAAAAAGAAATTAATTTGTAAATTATTATTTTTAAATGA-3'